The following is an entry in ClinVar:

ClinVar aggregate classification (germline): Uncertain significance (1 of 4 stars; one submission).

Submission:

Labcorp Genetics (formerly Invitae), Labcorp
Classification: Uncertain significance. Last evaluated: 2022-02-25. Review status: criteria provided, single submitter. Criteria: Invitae Variant Classification Sherloc (09022015). Collection method: clinical testing. Allele origin: germline.
Comment: This variant is not present in population databases (gnomAD no frequency). In summary, the available evidence is currently insufficient to determine the role of this variant in disease. Therefore, it has been classified as a Variant of Uncertain Significance. Algorithms developed to predict the effect of missense changes on protein structure and function are either unavailable or do not agree on the potential impact of this missense change (SIFT: "Tolerated"; PolyPhen-2: "Probably Damaging"; Align-GVGD: "Class C0"). This variant has not been reported in the literature in individuals affected with IL12RB2-related conditions. This sequence change replaces valine, which is neutral and non-polar, with methionine, which is neutral and non-polar, at codon 33 of the IL12RB2 protein (p.Val33Met).

NM_001374259.2(IL12RB2):c.97G>A (p.Val33Met)

Gene: IL12RB2 (interleukin 12 receptor subunit beta 2; plus strand). Cytogenetic location: 1p31.3.
Variant type: single nucleotide variant.
Coding change: c.97G>A on transcript NM_001374259.2 (MANE Select); coding-DNA position 97, G replaced by A.
Protein change: p.Val33Met; replaces valine 33 with methionine.
Molecular consequence: missense variant. On other transcripts: non-coding transcript variant (2).
Genome position (GRCh38, 1-based): chr1:67,321,622, G>A. VCF-style: chr1-67321622-G-A. GRCh37 (hg19) VCF-style: chr1-67787305-G-A.
Other names: c.97G>A, p.Val33Met (NM_001258214.1, NM_001258215.1, NM_001258216.1 and 2 more transcripts); short protein forms V33M.
Identifiers: ClinVar variation 2103298 (VCV002103298.4), dbSNP rs1656542046, ClinGen allele CA340730379.